The following is an entry in ClinVar:

ClinVar aggregate classification (germline): Conflicting classifications of pathogenicity. Review status: criteria provided, conflicting classifications (1 of 4 stars). 13 submissions from 12 submitters: Uncertain significance (2); Benign (6); Likely benign (3). 2 of the submissions do not count toward it. Last evaluated 2026-02-03.

Conditions:
Cardiovascular phenotype. Identifiers: MedGen CN230736.
Cardiomyopathy (CMYO). Also called: Cardiomyopathies. Identifiers: Orphanet 167848, MedGen C0878544, MONDO:0004994, HP:0001638. Inheritance: Various modes of inheritance.
Dilated cardiomyopathy 1Y (CMD1Y). Identifiers: Orphanet 154, Orphanet 54260, MedGen C2678476, MONDO:0012744, OMIM 611878.
Hypertrophic cardiomyopathy 3. Also called: TPM1-Related Familial Hypertrophic Cardiomyopathy. Identifiers: MedGen C1861863, MONDO:0007267, OMIM 115196.
Hypertrophic cardiomyopathy. Also called: HYPERTROPHIC MYOCARDIOPATHY. Identifiers: Orphanet 217569, MedGen C0007194, MeSH D002312, MONDO:0005045, HP:0001639.

Allele frequency attached by ClinVar (database versions not stated): gnomAD 0.00003 and 0.00042; TOPMed 0.00013; ESP Exome Variant Server 0.00015; gnomAD exomes 0.00081 and 0.00160; ExAC 0.00181; 1000 Genomes Project 30x 0.00468; 1000 Genomes Project 0.00499.
gnomAD v4.1: 1,242 of 1,606,512 alleles (0.077%); highest among the groups gnomAD compares: South Asian, 1.2%; 14 homozygotes.

Submissions (14):

Labcorp Genetics (formerly Invitae), Labcorp
Classification: Benign for Hypertrophic cardiomyopathy. Last evaluated: 2026-02-03. Review status: criteria provided, single submitter. Criteria: Invitae Variant Classification Sherloc (09022015). Collection method: clinical testing. Allele origin: germline.

Molecular Diagnostic Laboratory for Inherited Cardiovascular Disease, Montreal Heart Institute
Classification: Likely benign. Last evaluated: 2025-04-09. Review status: criteria provided, single submitter. Criteria: ACMG Guidelines, 2015. Collection method: clinical testing. Allele origin: germline. Affected: no.
Comment: BS1;BP6

Blueprint Genetics
Classification: Likely benign. Last evaluated: 2024-11-13. Review status: criteria provided, single submitter. Criteria: ACMG Guidelines, 2015. Collection method: clinical testing. Allele origin: germline.

Women's Health and Genetics/Laboratory Corporation of America, LabCorp
Classification: Benign. Last evaluated: 2023-08-19. Review status: criteria provided, single submitter. Criteria: LabCorp Variant Classification Summary - May 2015. Collection method: clinical testing. Allele origin: germline.

Illumina Laboratory Services, Illumina
Classification: Uncertain significance for Dilated cardiomyopathy 1Y. Last evaluated: 2019-02-01. Review status: criteria provided, single submitter. Criteria: ICSL Variant Classification Criteria 13 December 2019. Collection method: clinical testing. Allele origin: germline.

Illumina Laboratory Services, Illumina
Classification: Uncertain significance for Hypertrophic cardiomyopathy 3. Last evaluated: 2019-02-01. Review status: criteria provided, single submitter. Criteria: ICSL Variant Classification Criteria 13 December 2019. Collection method: clinical testing. Allele origin: germline.

Color Diagnostics, LLC DBA Color Health
Classification: Benign for Cardiomyopathy. Last evaluated: 2018-06-18. Review status: criteria provided, single submitter. Criteria: ACMG Guidelines, 2015. Collection method: clinical testing. Allele origin: germline.

CHEO Genetics Diagnostic Laboratory, Children's Hospital of Eastern Ontario
Classification: Benign for Cardiomyopathy. Last evaluated: 2017-11-30. Review status: criteria provided, single submitter. Criteria: ACMG Guidelines, 2015. Collection method: clinical testing. Allele origin: germline.

Ambry Genetics
Classification: Benign for Cardiovascular phenotype. Last evaluated: 2017-05-30. Review status: criteria provided, single submitter. Criteria: Ambry Variant Classification Scheme 2023. Collection method: clinical testing. Allele origin: germline.

GeneDx
Classification: Benign. Last evaluated: 2015-03-17. Review status: criteria provided, single submitter. Criteria: GeneDx Variant Classification (06012015). Collection method: clinical testing. Allele origin: germline. Affected: yes.
Comment: This variant is considered likely benign or benign based on one or more of the following criteria: it is a conservative change, it occurs at a poorly conserved position in the protein, it is predicted to be benign by multiple in silico algorithms, and/or has population frequency not consistent with disease.

Laboratory for Molecular Medicine, Mass General Brigham Personalized Medicine
Classification: Likely benign. Last evaluated: 2014-08-26. Review status: criteria provided, single submitter. Criteria: LMM Criteria. Collection method: clinical testing. Allele origin: germline. Observed: 2 variant alleles.
Comment: c.375-3C>T in intron 3 of TPM1: This variant is not expected to have clinical si gnificance because it does not cause the splice site sequence to diverge from co nsensus. It has been identified in 2/8600 of European American chromosomes by th e NHLBI Exome Sequencing Project (dbSNP rs202 228866).

Clinical Genetics, Academic Medical Center
Classification: Benign. Review status: no assertion criteria provided. Collection method: clinical testing. Allele origin: germline. Affected: yes. Study: VKGL Data-share Consensus. Not counted in ClinVar's aggregate classification.

Dr. Peter K. Rogan Lab, Western University
No classification provided (evidence only). Condition: Gastric cancer. Review status: no classification provided. Collection method: in vitro. Allele origin: not applicable. Functional consequence: retained intron. Not counted in ClinVar's aggregate classification.

Genome Diagnostics Laboratory, University Medical Center Utrecht
Classification: Benign. Review status: no assertion criteria provided. Collection method: clinical testing. Allele origin: germline. Affected: yes. Study: VKGL Data-share Consensus. Not counted in ClinVar's aggregate classification.

NM_001018005.2(TPM1):c.375-3C>T

Gene: TPM1 (tropomyosin 1; plus strand). Cytogenetic location: 15q22.2.
Variant type: single nucleotide variant.
Coding change: c.375-3C>T on transcript NM_001018005.2 (MANE Select); 3 bases into the intron before coding-DNA position 375, C replaced by T.
Molecular consequence: intron variant.
Genome position (GRCh38, 1-based): chr15:63,059,560, C>T. VCF-style: chr15-63059560-C-T. GRCh37 (hg19) VCF-style: chr15-63351759-C-T.
Other names: c.501-3C>T (NM_001365778.1); c.375-3C>T (NM_001018020.2, NM_001018007.2, NM_001018006.2 and 6 more transcripts); c.267-3C>T (NM_001330351.2, NM_001330344.2, NM_001018008.2 and 5 more transcripts).
Identifiers: ClinVar variation 178146 (VCV000178146.31), dbSNP rs202228866, ClinGen allele CA018001.
Genomic context (GRCh38, chr15:63,059,560, plus strand): 5'-GCAGTGTGCATTTGGGAAGTTCAGCTCTAAATCTTGGGTTTTCTTGCTTGTCTTTCTTTT[C>T]AGAGGCATGAAAGTCATTGAGAGTCGAGCCCAAAAAGATGAAGAAAAAATGGAAATTCAG-3'